The following is an entry in ClinVar:

NM_000038.6(APC):c.3893C>A (p.Ser1298Tyr)

Gene: APC (APC regulator of Wnt signaling pathway; plus strand). Cytogenetic location: 5q22.2.
Variant type: single nucleotide variant.
Coding change: c.3893C>A on transcript NM_000038.6 (MANE Select); coding-DNA position 3893, C replaced by A.
Protein change: p.Ser1298Tyr; replaces serine 1298 with tyrosine.
Molecular consequence: missense variant.
Genome position (GRCh38, 1-based): chr5:112,839,487, C>A. VCF-style: chr5-112839487-C-A. GRCh37 (hg19) VCF-style: chr5-112175184-C-A.
Other names: c.3893C>A, p.Ser1298Tyr (NM_001127510.3, NM_001354895.2); c.3839C>A, p.Ser1280Tyr (NM_001127511.3); c.3947C>A, p.Ser1316Tyr (NM_001354896.2); c.3923C>A, p.Ser1308Tyr (NM_001354897.2); c.3818C>A, p.Ser1273Tyr (NM_001354898.2); c.3809C>A, p.Ser1270Tyr (NM_001354899.2); c.3770C>A, p.Ser1257Tyr (NM_001354900.2); c.3716C>A, p.Ser1239Tyr (NM_001354901.2); and 6 more; short protein forms S1015Y, S1239Y, S1280Y, S1197Y, S1270Y, S1273Y, S1257Y, S1138Y.
Identifiers: ClinVar variation 1436601 (VCV001436601.9), dbSNP rs2149901424, ClinGen allele CA16029877.

ClinVar aggregate classification (germline): Uncertain significance. Review status: criteria provided, multiple submitters, no conflicts (2 of 4 stars). 2 submissions from 2 submitters: Uncertain significance (2). Last evaluated 2026-07-07.

Conditions:
Hereditary cancer-predisposing syndrome. Also called: Hereditary Cancer Syndrome; Neoplastic Syndromes, Hereditary; Hereditary neoplastic syndrome; Tumor predisposition. Identifiers: Orphanet 140162, MedGen C0027672, MeSH D009386, MONDO:0015356.
Familial adenomatous polyposis 1 (FAP1). Also called: FAMILIAL ADENOMATOUS POLYPOSIS 1, ATTENUATED; POLYPOSIS, ADENOMATOUS INTESTINAL. Identifiers: MedGen C2713442, MONDO:0021056, OMIM 175100. Disease mechanism: loss of function.

Submissions (2):

Ambry Genetics
Classification: Uncertain significance for Hereditary cancer-predisposing syndrome. Last evaluated: 2026-07-07. Review status: criteria provided, single submitter. Criteria: Ambry Variant Classification Scheme 2023. Collection method: clinical testing. Allele origin: germline.
Comment: The p.S1298Y variant (also known as c.3893C>A), located in coding exon 15 of the APC gene, results from a C to A substitution at nucleotide position 3893. The serine at codon 1298 is replaced by tyrosine, an amino acid with dissimilar properties. This amino acid position is conserved. In addition, in silico predictors for this gene do not accurately predict pathogenicity. Based on the available evidence, the clinical significance of this variant remains unclear.

Labcorp Genetics (formerly Invitae), Labcorp
Classification: Uncertain significance for Familial adenomatous polyposis 1. Last evaluated: 2021-03-17. Review status: criteria provided, single submitter. Criteria: Invitae Variant Classification Sherloc (09022015). Collection method: clinical testing. Allele origin: germline.
Comment: In summary, the available evidence is currently insufficient to determine the role of this variant in disease. Therefore, it has been classified as a Variant of Uncertain Significance. Algorithms developed to predict the effect of missense changes on protein structure and function are either unavailable or do not agree on the potential impact of this missense change (SIFT: "Deleterious"; PolyPhen-2: "Possibly Damaging"; Align-GVGD: "Class C0"). This variant has not been reported in the literature in individuals with APC-related conditions. This variant is not present in population databases (ExAC no frequency). This sequence change replaces serine with tyrosine at codon 1298 of the APC protein (p.Ser1298Tyr). The serine residue is moderately conserved and there is a large physicochemical difference between serine and tyrosine.